The following is an entry in ClinVar:

ClinVar aggregate classification (germline): Uncertain significance (1 of 4 stars; one submission).

Conditions:
Dilated cardiomyopathy 1O (CMD1O). Also called: CARDIOMYOPATHY, DILATED, WITH VENTRICULAR TACHYCARDIA. Identifiers: Orphanet 154, MedGen C1837839, MONDO:0012062, OMIM 608569.

Allele frequency attached by ClinVar (database versions not stated): TOPMed below 0.00001.

Submission:

Labcorp Genetics (formerly Invitae), Labcorp
Classification: Uncertain significance for Dilated cardiomyopathy 1O. Last evaluated: 2021-04-23. Review status: criteria provided, single submitter. Criteria: Invitae Variant Classification Sherloc (09022015). Collection method: clinical testing. Allele origin: germline.
Comment: In summary, the available evidence is currently insufficient to determine the role of this variant in disease. Therefore, it has been classified as a Variant of Uncertain Significance. Algorithms developed to predict the effect of missense changes on protein structure and function are either unavailable or do not agree on the potential impact of this missense change (SIFT: "Deleterious"; PolyPhen-2: "Benign"; Align-GVGD: "Class C0"). This variant has not been reported in the literature in individuals with ABCC9-related conditions. This variant is not present in population databases (ExAC no frequency). This sequence change replaces threonine with lysine at codon 116 of the ABCC9 protein (p.Thr116Lys). The threonine residue is highly conserved and there is a moderate physicochemical difference between threonine and lysine.

NM_020297.4(ABCC9):c.347C>A (p.Thr116Lys)

Gene: ABCC9 (ATP binding cassette subfamily C member 9; minus strand). Cytogenetic location: 12p12.1.
Variant type: single nucleotide variant.
Coding change: c.347C>A on transcript NM_020297.4 (MANE Select); coding-DNA position 347, C replaced by A.
Protein change: p.Thr116Lys; replaces threonine 116 with lysine.
Molecular consequence: missense variant. On other transcripts: 5 prime UTR variant (1).
Genome position (GRCh38, 1-based): chr12:21,926,001, G>T on the plus strand (C>A on the coding strand, the complement: ABCC9 is on the minus strand). VCF-style: chr12-21926001-G-T. GRCh37 (hg19) VCF-style: chr12-22078935-G-T.
Other names: c.347C>A, p.Thr116Lys (NM_001377273.1, NM_005691.4); c.-108C>A (NM_001377274.1); short protein forms T116K.
Identifiers: ClinVar variation 1494203 (VCV001494203.8), dbSNP rs1949029798, ClinGen allele CA384129407.